The following is an entry in ClinVar:

ClinVar aggregate classification (germline): Likely benign (1 of 4 stars; one submission).

gnomAD v4.1: 29 of 1,127,786 alleles (0.0026%); highest among the groups gnomAD compares: South Asian, 0.085%; no homozygotes.

Submission:

CeGaT Center for Human Genetics Tuebingen
Classification: Likely benign. Last evaluated: 2026-06-01. Review status: criteria provided, single submitter. Criteria: CeGaT Center For Human Genetics Tuebingen Variant Classification Criteria Version 2. Collection method: clinical testing. Allele origin: germline. Affected: yes. Observed: 1 variant allele.
Comment: NRG1: BP4, BP7

NM_001159995.3(NRG1):c.37+574G>A

Gene: NRG1 (neuregulin 1; plus strand). Cytogenetic location: 8p12.
Variant type: single nucleotide variant.
Coding change: c.37+574G>A on transcript NM_001159995.3; 574 bases into the intron after coding-DNA position 37, G replaced by A.
Molecular consequence: intron variant. On other transcripts: synonymous variant (1).
Genome position (GRCh38, 1-based): chr8:31,640,005, G>A. VCF-style: chr8-31640005-G-A. GRCh37 (hg19) VCF-style: chr8-31497521-G-A.
Other names: c.-556+574G>A (NM_001322201.2); c.37+574G>A (NM_001160001.3, NM_001159999.3); c.-505+574G>A (NM_001322202.2); c.21G>A, p.Pro7= (NM_013962.3).
Identifiers: ClinVar variation 4873469 (VCV004873469.2).